The following is an entry in ClinVar:

ClinVar aggregate classification (germline): Uncertain significance (1 of 4 stars; one submission).

Conditions:
Spinocerebellar ataxia type 29 (SCA29). Also called: Spinocerebellar ataxia 29, congenital nonprogressive; CEREBELLAR ATAXIA, CONGENITAL NONPROGRESSIVE, AUTOSOMAL DOMINANT. Identifiers: Orphanet 208513, MedGen C1861732, MONDO:0007298, OMIM 117360.

Submission:

3billion
Classification: Uncertain significance for Spinocerebellar ataxia type 29. Last evaluated: 2024-03-08. Review status: criteria provided, single submitter. Criteria: ACMG Guidelines, 2015. Collection method: clinical testing. Allele origin: germline. Affected: yes.
Comment: The variant is not observed in the gnomAD v2.1.1 dataset. Predicted Consequence/Location: Missense changes are a common disease-causing mechanism. In silico tool predictions suggest damaging effect of the variant on gene or gene product [REVEL: 0.73 (>=0.6, sensitivity 0.68 and specificity 0.92); 3Cnet: 0.97 (>=0.6, sensitivity 0.72 and precision 0.9)]. Therefore, this variant is classified as VUS according to the recommendation of ACMG/AMP guideline.

NM_001378452.1(ITPR1):c.7335T>G (p.Asn2445Lys)

Gene: ITPR1 (inositol 1,4,5-trisphosphate receptor type 1; plus strand). Cytogenetic location: 3p26.1.
Variant type: single nucleotide variant.
Coding change: c.7335T>G on transcript NM_001378452.1 (MANE Select); coding-DNA position 7335, T replaced by G.
Protein change: p.Asn2445Lys; replaces asparagine 2445 with lysine.
Molecular consequence: missense variant.
Genome position (GRCh38, 1-based): chr3:4,811,327, T>G. VCF-style: chr3-4811327-T-G. GRCh37 (hg19) VCF-style: chr3-4853011-T-G.
Other names: c.7191T>G, p.Asn2397Lys (NM_001099952.4); c.7290T>G, p.Asn2430Lys (NM_001168272.2); c.7146T>G, p.Asn2382Lys (NM_002222.7); short protein forms N2382K, N2397K, N2430K, N2445K.
Identifiers: ClinVar variation 3775393 (VCV003775393.1).